The following is an entry in ClinVar:

ClinVar aggregate classification (germline): Pathogenic (1 of 4 stars; one submission).

Submission:

Labcorp Genetics (formerly Invitae), Labcorp
Classification: Pathogenic. Last evaluated: 2023-03-07. Review status: criteria provided, single submitter. Criteria: Invitae Variant Classification Sherloc (09022015). Collection method: clinical testing. Allele origin: germline.
Comment: This sequence change creates a premature translational stop signal (p.Cys279*) in the LRP2 gene. It is expected to result in an absent or disrupted protein product. Loss-of-function variants in LRP2 are known to be pathogenic (PMID: 17632512, 25682901). This variant is not present in population databases (gnomAD no frequency). This variant has not been reported in the literature in individuals affected with LRP2-related conditions. For these reasons, this variant has been classified as Pathogenic.

Literature cited by the submitters: PubMed 17632512; PubMed 25682901.

NM_004525.3(LRP2):c.837C>A (p.Cys279Ter)

Gene: LRP2 (LDL receptor related protein 2; minus strand). Cytogenetic location: 2q31.1.
Variant type: single nucleotide variant.
Coding change: c.837C>A on transcript NM_004525.3 (MANE Select); coding-DNA position 837, C replaced by A.
Protein change: p.Cys279Ter; replaces cysteine 279 with a stop codon.
Molecular consequence: nonsense.
Genome position (GRCh38, 1-based): chr2:169,290,930, G>T on the plus strand (C>A on the coding strand, the complement: LRP2 is on the minus strand). VCF-style: chr2-169290930-G-T. GRCh37 (hg19) VCF-style: chr2-170147440-G-T.
Other names: short protein forms C279*.
Identifiers: ClinVar variation 2843578 (VCV002843578.3), dbSNP rs1683982622, ClinGen allele CA349158078.